The following is an entry in ClinVar:

NM_000535.7(PMS2):c.127G>C (p.Val43Leu)

Gene: PMS2 (PMS1 homolog 2, mismatch repair system component; minus strand). Cytogenetic location: 7p22.1.
Variant type: single nucleotide variant.
Coding change: c.127G>C on transcript NM_000535.7 (MANE Select); coding-DNA position 127, G replaced by C.
Protein change: p.Val43Leu; replaces valine 43 with leucine.
Molecular consequence: missense variant. On other transcripts: intron variant (7), 5 prime UTR variant (38), non-coding transcript variant (1).
Genome position (GRCh38, 1-based): chr7:6,005,928, C>G on the plus strand (G>C on the coding strand, the complement: PMS2 is on the minus strand). VCF-style: chr7-6005928-C-G. GRCh37 (hg19) VCF-style: chr7-6045559-C-G.
Other names: c.-242-1870G>C (NM_001322010.2, NM_001322004.2, NM_001406911.1); c.-321-1870G>C (NM_001406879.1); c.-279G>C (NM_001322003.2, NM_001322005.2, NM_001322009.2 and 10 more transcripts); c.127G>C, p.Val43Leu (NM_001322006.2, NM_001322014.2, NM_001406868.1 and 10 more transcripts); c.-89G>C (NM_001322007.2, NM_001406876.1, NM_001406883.1 and 4 more transcripts); c.-758G>C (NM_001322011.2, NM_001322012.2); c.-358G>C (NM_001322015.2, NM_001406875.1, NM_001406877.1 and 2 more transcripts); c.313G>C, p.Val105Leu (NM_001406866.1); and 7 more; short protein forms V105L, V43L.
Identifiers: ClinVar variation 4862109 (VCV004862109.1).

ClinVar aggregate classification (germline): Uncertain significance (1 of 4 stars; one submission).

Conditions:
Hereditary cancer-predisposing syndrome. Also called: Neoplastic Syndromes, Hereditary; Tumor predisposition; Hereditary Cancer Syndrome; Hereditary neoplastic syndrome. Identifiers: Orphanet 140162, MedGen C0027672, MeSH D009386, MONDO:0015356.

gnomAD v4.1: 2 of 1,610,884 alleles (0.00012%); highest among the groups gnomAD compares: African/African-American, 0.0013%; no homozygotes.

Submission:

Ambry Genetics
Classification: Uncertain significance for Hereditary cancer-predisposing syndrome. Last evaluated: 2026-04-30. Review status: criteria provided, single submitter. Criteria: Ambry Variant Classification Scheme 2023. Collection method: clinical testing. Allele origin: germline.
Comment: The p.V43L variant (also known as c.127G>C), located in coding exon 2 of the PMS2 gene, results from a G to C substitution at nucleotide position 127. The valine at codon 43 is replaced by leucine, an amino acid with highly similar properties. This amino acid position is not well conserved in available vertebrate species. In addition, the in silico prediction for this alteration is inconclusive. Based on the available evidence, the clinical significance of this variant remains unclear.